The following is an entry in ClinVar:

ClinVar aggregate classification (germline): Conflicting classifications of pathogenicity. Review status: criteria provided, conflicting classifications (1 of 4 stars). 4 submissions from 4 submitters: Uncertain significance (2); Benign (1). 1 of the submissions does not count toward it. Last evaluated 2026-01-25.

Conditions:
Inborn genetic diseases. Identifiers: MedGen C0950123, MeSH D030342.
TALDO1-related disorder. Also called: TALDO1-related condition.
Deficiency of transaldolase. Also called: EYAID SYNDROME. Identifiers: Orphanet 101028, MedGen C1291329, MONDO:0011624, OMIM 606003.

Allele frequency attached by ClinVar (database versions not stated): gnomAD 0.00015 and 0.00016; gnomAD exomes 0.00018 and 0.00037; TOPMed 0.00026; ExAC 0.00030; ESP Exome Variant Server 0.00038.
gnomAD v4.1: 306 of 1,613,560 alleles (0.019%); highest among the groups gnomAD compares: South Asian, 0.0088%; 4 homozygotes.

Submissions (4):

Labcorp Genetics (formerly Invitae), Labcorp
Classification: Benign. Last evaluated: 2026-01-25. Review status: criteria provided, single submitter. Criteria: Invitae Variant Classification Sherloc (09022015). Collection method: clinical testing. Allele origin: germline.

Ambry Genetics
Classification: Uncertain significance for Inborn genetic diseases. Last evaluated: 2021-09-01. Review status: criteria provided, single submitter. Criteria: Ambry Variant Classification Scheme 2023. Collection method: clinical testing. Allele origin: germline.

Illumina Laboratory Services, Illumina
Classification: Uncertain significance for Deficiency of transaldolase. Last evaluated: 2018-01-12. Review status: criteria provided, single submitter. Criteria: ICSL Variant Classification Criteria 13 December 2019. Collection method: clinical testing. Allele origin: germline.

PreventionGenetics, part of Exact Sciences
Classification: Benign for TALDO1-related condition. Last evaluated: 2021-11-12. Review status: no assertion criteria provided. Collection method: clinical testing. Allele origin: germline. Not counted in ClinVar's aggregate classification.
Comment: This variant is classified as benign based on ACMG/AMP sequence variant interpretation guidelines (Richards et al. 2015 PMID: 25741868, with internal and published modifications).

NM_006755.2(TALDO1):c.197T>C (p.Ile66Thr)

Gene: TALDO1 (transaldolase 1; plus strand). Cytogenetic location: 11p15.5.
Variant type: single nucleotide variant.
Coding change: c.197T>C on transcript NM_006755.2 (MANE Select); coding-DNA position 197, T replaced by C.
Protein change: p.Ile66Thr; replaces isoleucine 66 with threonine.
Molecular consequence: missense variant.
Genome position (GRCh38, 1-based): chr11:755,978, T>C. VCF-style: chr11-755978-T-C. GRCh37 (hg19) VCF-style: chr11-755978-T-C.
Other names: short protein forms I66T.
Identifiers: ClinVar variation 306128 (VCV000306128.15), dbSNP rs146282855, ClinGen allele CA5788037.